The following is an entry in ClinVar:

NM_000539.3(RHO):c.53G>C (p.Gly18Ala)

Gene: RHO (rhodopsin; plus strand). Cytogenetic location: 3q22.1.
Variant type: single nucleotide variant.
Coding change: c.53G>C on transcript NM_000539.3 (MANE Select); coding-DNA position 53, G replaced by C.
Protein change: p.Gly18Ala; replaces glycine 18 with alanine.
Molecular consequence: missense variant.
Genome position (GRCh38, 1-based): chr3:129,528,786, G>C. VCF-style: chr3-129528786-G-C. GRCh37 (hg19) VCF-style: chr3-129247629-G-C.
Other names: short protein forms G18A.
Identifiers: ClinVar variation 1952930 (VCV001952930.5), dbSNP rs200946638, ClinGen allele CA2607048.

ClinVar aggregate classification (germline): Uncertain significance (1 of 4 stars; one submission).

gnomAD v4.1: 4 of 1,614,206 alleles (0.00025%); highest among the groups gnomAD compares: South Asian, 0.0022%; no homozygotes.

Submission:

Labcorp Genetics (formerly Invitae), Labcorp
Classification: Uncertain significance. Last evaluated: 2022-01-11. Review status: criteria provided, single submitter. Criteria: Invitae Variant Classification Sherloc (09022015). Collection method: clinical testing. Allele origin: germline.
Comment: Advanced modeling of protein sequence and biophysical properties (such as structural, functional, and spatial information, amino acid conservation, physicochemical variation, residue mobility, and thermodynamic stability) performed at Invitae indicates that this missense variant is not expected to disrupt RHO protein function. This variant has not been reported in the literature in individuals affected with RHO-related conditions. This variant is present in population databases (rs200946638, gnomAD 0.003%). This sequence change replaces glycine, which is neutral and non-polar, with alanine, which is neutral and non-polar, at codon 18 of the RHO protein (p.Gly18Ala). In summary, the available evidence is currently insufficient to determine the role of this variant in disease. Therefore, it has been classified as a Variant of Uncertain Significance.